The following is an entry in ClinVar:

ClinVar aggregate classification (germline): Uncertain significance. Review status: criteria provided, multiple submitters, no conflicts (2 of 4 stars). 3 submissions from 3 submitters: Uncertain significance (3). Last evaluated 2024-12-16.

Conditions:
Hereditary cancer-predisposing syndrome. Also called: Hereditary neoplastic syndrome; Tumor predisposition; Neoplastic Syndromes, Hereditary; Hereditary Cancer Syndrome. Identifiers: Orphanet 140162, MedGen C0027672, MeSH D009386, MONDO:0015356.
Breast-ovarian cancer, familial, susceptibility to, 2 (BROVCA2). Also called: BRCA2 Hereditary Breast and Ovarian Cancer. Identifiers: Orphanet 145, MedGen C2675520, MONDO:0012933, OMIM 612555. Disease mechanism: loss of function.

gnomAD v4.1: 1 of 1,611,200 alleles (0.000062%); no homozygotes.

Submissions (3):

KCCC/NGS Laboratory, Kuwait Cancer Control Center
Classification: Uncertain significance for Breast-ovarian cancer, familial, susceptibility to, 2. Last evaluated: 2024-12-16. Review status: criteria provided, single submitter. Criteria: ACMG Guidelines, 2015. Collection method: clinical testing. Allele origin: germline. Inheritance: Autosomal dominant inheritance. Affected: yes. Observed: 1 heterozygote.
Comment: This sequence change replaces asparagine, which is neutral and polar, with serine, which is neutral and polar, at codon 945 of the RAD50 protein (p.Asn945Ser). This variant has not been reported in the literature in individuals affected with RAD50-related conditions. This variant is not present in population databases (gnomAD no frequency). ClinVar contains an entry for this variant (Variation ID: 949078). According to computational predication tool this missense variant is not expected to disrupt RAD50 protein function. In summary, the available evidence is currently insufficient to determine the role of this variant in disease. Therefore, it has been classified as a Variant of Uncertain Significance.

Ambry Genetics
Classification: Uncertain significance for Hereditary cancer-predisposing syndrome. Last evaluated: 2024-10-29. Review status: criteria provided, single submitter. Criteria: Ambry Variant Classification Scheme 2023. Collection method: clinical testing. Allele origin: germline.
Comment: The p.N945S variant (also known as c.2834A>G), located in coding exon 18 of the RAD50 gene, results from an A to G substitution at nucleotide position 2834. The asparagine at codon 945 is replaced by serine, an amino acid with highly similar properties. This amino acid position is conserved. In addition, this alteration is predicted to be tolerated by in silico analysis. Since supporting evidence is limited at this time, the clinical significance of this alteration remains unclear.

Labcorp Genetics (formerly Invitae), Labcorp
Classification: Uncertain significance for Hereditary cancer-predisposing syndrome. Last evaluated: 2024-04-29. Review status: criteria provided, single submitter. Criteria: Invitae Variant Classification Sherloc (09022015). Collection method: clinical testing. Allele origin: germline.
Comment: This sequence change replaces asparagine, which is neutral and polar, with serine, which is neutral and polar, at codon 945 of the RAD50 protein (p.Asn945Ser). This variant is not present in population databases (gnomAD no frequency). This variant has not been reported in the literature in individuals affected with RAD50-related conditions. ClinVar contains an entry for this variant (Variation ID: 949078). Advanced modeling of protein sequence and biophysical properties (such as structural, functional, and spatial information, amino acid conservation, physicochemical variation, residue mobility, and thermodynamic stability) performed at Invitae indicates that this missense variant is not expected to disrupt RAD50 protein function with a negative predictive value of 80%. In summary, the available evidence is currently insufficient to determine the role of this variant in disease. Therefore, it has been classified as a Variant of Uncertain Significance.

NM_005732.4(RAD50):c.2834A>G (p.Asn945Ser)

Gene: RAD50 (RAD50 double strand break repair protein; plus strand). Cytogenetic location: 5q31.1.
Variant type: single nucleotide variant.
Coding change: c.2834A>G on transcript NM_005732.4 (MANE Select); coding-DNA position 2834, A replaced by G.
Protein change: p.Asn945Ser; replaces asparagine 945 with serine.
Molecular consequence: missense variant.
Genome position (GRCh38, 1-based): chr5:132,609,121, A>G. VCF-style: chr5-132609121-A-G. GRCh37 (hg19) VCF-style: chr5-131944813-A-G.
Other names: short protein forms N945S.
Identifiers: ClinVar variation 949078 (VCV000949078.15), dbSNP rs1751036957, ClinGen allele CA360959362.